The following is an entry in ClinVar:

NM_006059.4(LAMC3):c.2302G>T (p.Glu768Ter)

Gene: LAMC3 (laminin subunit gamma 3; plus strand). Cytogenetic location: 9q34.12.
Variant type: single nucleotide variant.
Coding change: c.2302G>T on transcript NM_006059.4 (MANE Select); coding-DNA position 2302, G replaced by T.
Protein change: p.Glu768Ter; replaces glutamic acid 768 with a stop codon.
Molecular consequence: nonsense.
Genome position (GRCh38, 1-based): chr9:131,061,178, G>T. VCF-style: chr9-131061178-G-T. GRCh37 (hg19) VCF-style: chr9-133936565-G-T.
Other names: short protein forms E768*.
Identifiers: ClinVar variation 1456570 (VCV001456570.6), dbSNP rs2133299037, ClinGen allele CA375267206.

ClinVar aggregate classification (germline): Pathogenic (1 of 4 stars; one submission).

Submission:

Labcorp Genetics (formerly Invitae), Labcorp
Classification: Pathogenic. Last evaluated: 2021-12-02. Review status: criteria provided, single submitter. Criteria: Invitae Variant Classification Sherloc (09022015). Collection method: clinical testing. Allele origin: germline.
Comment: This sequence change creates a premature translational stop signal (p.Glu768*) in the LAMC3 gene. It is expected to result in an absent or disrupted protein product. Loss-of-function variants in LAMC3 are known to be pathogenic (PMID: 21572413, 26802095). This variant is not present in population databases (gnomAD no frequency). For these reasons, this variant has been classified as Pathogenic. This variant has not been reported in the literature in individuals affected with LAMC3-related conditions.

Literature cited by the submitters: PubMed 21572413; PubMed 26802095.